The following is an entry in ClinVar:

NM_001853.4(COL9A3):c.1849G>C (p.Asp617His)

Gene: COL9A3 (collagen type IX alpha 3 chain; plus strand). Cytogenetic location: 20q13.33.
Variant type: single nucleotide variant.
Coding change: c.1849G>C on transcript NM_001853.4 (MANE Select); coding-DNA position 1849, G replaced by C.
Protein change: p.Asp617His; replaces aspartic acid 617 with histidine.
Molecular consequence: missense variant.
Genome position (GRCh38, 1-based): chr20:62,838,746, G>C. VCF-style: chr20-62838746-G-C. GRCh37 (hg19) VCF-style: chr20-61470098-G-C.
Other names: c.1849G>C (NM_001853.3); short protein forms D617H.
Identifiers: ClinVar variation 1361056 (VCV001361056.7), dbSNP rs2147231822, ClinGen allele CA409600208.

ClinVar aggregate classification (germline): Uncertain significance. Review status: criteria provided, multiple submitters, no conflicts (2 of 4 stars). 2 submissions from 2 submitters: Uncertain significance (2). Last evaluated 2026-03-10.

Conditions:
Inborn genetic diseases. Identifiers: MedGen C0950123, MeSH D030342.

Allele frequency attached by ClinVar (database versions not stated): gnomAD exomes below 0.00001.
gnomAD v4.1: 2 of 1,551,978 alleles (0.00013%); highest among the groups gnomAD compares: Middle Eastern, 0.017%; no homozygotes.

Submissions (2):

Ambry Genetics
Classification: Uncertain significance for Inborn genetic diseases. Last evaluated: 2026-03-10. Review status: criteria provided, single submitter. Criteria: Ambry Variant Classification Scheme 2023. Collection method: clinical testing. Allele origin: germline.

Labcorp Genetics (formerly Invitae), Labcorp
Classification: Uncertain significance. Last evaluated: 2023-08-17. Review status: criteria provided, single submitter. Criteria: Invitae Variant Classification Sherloc (09022015). Collection method: clinical testing. Allele origin: germline.
Comment: This sequence change replaces aspartic acid, which is acidic and polar, with histidine, which is basic and polar, at codon 617 of the COL9A3 protein (p.Asp617His). In summary, the available evidence is currently insufficient to determine the role of this variant in disease. Therefore, it has been classified as a Variant of Uncertain Significance. Advanced modeling of protein sequence and biophysical properties (such as structural, functional, and spatial information, amino acid conservation, physicochemical variation, residue mobility, and thermodynamic stability) performed at Invitae indicates that this missense variant is not expected to disrupt COL9A3 protein function. ClinVar contains an entry for this variant (Variation ID: 1361056). This variant has not been reported in the literature in individuals affected with COL9A3-related conditions. This variant is not present in population databases (gnomAD no frequency).